The following is an entry in ClinVar:

ClinVar aggregate classification (germline): Uncertain significance. Review status: criteria provided, multiple submitters, no conflicts (2 of 4 stars). 2 submissions from 2 submitters: Uncertain significance (2). Last evaluated 2025-09-13.

gnomAD v4.1: 20 of 1,613,734 alleles (0.0012%); highest among the groups gnomAD compares: Admixed American, 0.005%; no homozygotes.

Submissions (2):

Labcorp Genetics (formerly Invitae), Labcorp
Classification: Uncertain significance. Last evaluated: 2025-09-13. Review status: criteria provided, single submitter. Criteria: Invitae Variant Classification Sherloc (09022015). Collection method: clinical testing. Allele origin: germline.
Comment: This sequence change replaces lysine, which is basic and polar, with arginine, which is basic and polar, at codon 228 of the TFAM protein (p.Lys228Arg). This variant is present in population databases (rs770814394, gnomAD 0.03%). This variant has not been reported in the literature in individuals affected with TFAM-related conditions. An algorithm developed to predict the effect of missense changes on protein structure and function (PolyPhen-2) suggests that this variant is likely to be tolerated. In summary, the available evidence is currently insufficient to determine the role of this variant in disease. Therefore, it has been classified as a Variant of Uncertain Significance.

Ambry Genetics
Classification: Uncertain significance. Last evaluated: 2025-07-15. Review status: criteria provided, single submitter. Criteria: Ambry Variant Classification Scheme 2023. Collection method: clinical testing. Allele origin: germline.

NM_003201.3(TFAM):c.683A>G (p.Lys228Arg)

Gene: TFAM (transcription factor A, mitochondrial; plus strand). Cytogenetic location: 10q21.1.
Variant type: single nucleotide variant.
Coding change: c.683A>G on transcript NM_003201.3 (MANE Select); coding-DNA position 683, A replaced by G.
Protein change: p.Lys228Arg; replaces lysine 228 with arginine.
Molecular consequence: missense variant. On other transcripts: non-coding transcript variant (1).
Genome position (GRCh38, 1-based): chr10:58,395,016, A>G. VCF-style: chr10-58395016-A-G. GRCh37 (hg19) VCF-style: chr10-60154776-A-G.
Other names: c.587A>G, p.Lys196Arg (NM_001270782.2); short protein forms K196R, K228R.
Identifiers: ClinVar variation 4183319 (VCV004183319.2).